The following is an entry in ClinVar:

NM_138386.3(NAF1):c.232A>C (p.Thr78Pro)

Gene: NAF1 (nuclear assembly factor 1 ribonucleoprotein; minus strand). Cytogenetic location: 4q32.2.
Variant type: single nucleotide variant.
Coding change: c.232A>C on transcript NM_138386.3 (MANE Select); coding-DNA position 232, A replaced by C.
Protein change: p.Thr78Pro; replaces threonine 78 with proline.
Molecular consequence: missense variant.
Genome position (GRCh38, 1-based): chr4:163,166,496, T>G on the plus strand (A>C on the coding strand, the complement: NAF1 is on the minus strand). VCF-style: chr4-163166496-T-G. GRCh37 (hg19) VCF-style: chr4-164087648-T-G.
Other names: c.232A>C, p.Thr78Pro (NM_001128931.2); short protein forms T78P.
Identifiers: ClinVar variation 2988172 (VCV002988172.3), dbSNP rs752192126, ClinGen allele CA3126451.

ClinVar aggregate classification (germline): Uncertain significance (1 of 4 stars; one submission).

Allele frequency attached by ClinVar (database versions not stated): gnomAD 0.00001; gnomAD exomes 0.00001; ExAC 0.00001.
gnomAD v4.1: 19 of 1,598,202 alleles (0.0012%); highest among the groups gnomAD compares: South Asian, 0.0045%; no homozygotes.

Submission:

Labcorp Genetics (formerly Invitae), Labcorp
Classification: Uncertain significance. Last evaluated: 2025-03-27. Review status: criteria provided, single submitter. Criteria: Invitae Variant Classification Sherloc (09022015). Collection method: clinical testing. Allele origin: germline.
Comment: This sequence change replaces threonine, which is neutral and polar, with proline, which is neutral and non-polar, at codon 78 of the NAF1 protein (p.Thr78Pro). This variant is present in population databases (rs752192126, gnomAD 0.003%). This variant has not been reported in the literature in individuals affected with NAF1-related conditions. ClinVar contains an entry for this variant (Variation ID: 2988172). An algorithm developed to predict the effect of missense changes on protein structure and function (PolyPhen-2) suggests that this variant is likely to be tolerated. In summary, the available evidence is currently insufficient to determine the role of this variant in disease. Therefore, it has been classified as a Variant of Uncertain Significance.